The following is an entry in ClinVar:

NM_000051.4(ATM):c.6536T>C (p.Ile2179Thr)

Genes: ATM (ATM serine/threonine kinase; plus strand), C11orf65 (chromosome 11 open reading frame 65; minus strand). Cytogenetic location: 11q22.3.
Variant type: single nucleotide variant.
Coding change: c.6536T>C on transcript NM_000051.4 (MANE Select); coding-DNA position 6536, T replaced by C.
Protein change: p.Ile2179Thr; replaces isoleucine 2179 with threonine.
Molecular consequence: missense variant. On other transcripts: intron variant (2).
Genome position (GRCh38, 1-based): chr11:108,321,384, T>C. VCF-style: chr11-108321384-T-C. GRCh37 (hg19) VCF-style: chr11-108192111-T-C.
Other names: c.6536T>C, p.Ile2179Thr (NM_001351834.2); c.641-12313A>G (NM_001330368.2); c.*39-12313A>G (NM_001351110.2); short protein forms I2179T.
Identifiers: ClinVar variation 236754 (VCV000236754.53), dbSNP rs878853532, ClinGen allele CA10582840.

ClinVar aggregate classification (germline): Uncertain significance. Review status: criteria provided, multiple submitters, no conflicts (2 of 4 stars). 10 submissions from 10 submitters: Uncertain significance (9). 1 of the submissions does not count toward it. Last evaluated 2025-07-18.

Conditions:
Hereditary cancer-predisposing syndrome. Also called: Neoplastic Syndromes, Hereditary; Hereditary neoplastic syndrome; Tumor predisposition; Hereditary Cancer Syndrome. Identifiers: Orphanet 140162, MedGen C0027672, MeSH D009386, MONDO:0015356.
Ataxia-telangiectasia syndrome (AT). Also called: Ataxia telangiectasia (A-T); Cerebello-oculocutaneous telangiectasia; Immunodeficiency with ataxia telangiectasia; LOUIS-BAR SYNDROME; AT, COMPLEMENTATION GROUP C; ATAXIA-TELANGIECTASIA, FRESNO VARIANT. Identifiers: Orphanet 100, MedGen C0004135, MONDO:0008840, OMIM 208900.
Familial cancer of breast. Also called: hereditary breast carcinoma; Hereditary breast cancer; BREAST CANCER, FAMILIAL. Identifiers: Orphanet 227535, MedGen C0346153, MONDO:0016419, OMIM 114480. Disease mechanism: loss of function.

Allele frequency attached by ClinVar (database versions not stated): gnomAD 0.00001; TOPMed 0.00001; gnomAD exomes below 0.00001 and 0.00001.
gnomAD v4.1: 11 of 1,614,074 alleles (0.00068%); highest among the groups gnomAD compares: East Asian, 0.0022%; no homozygotes.

Submissions (10):

Ambry Genetics
Classification: Uncertain significance for Hereditary cancer-predisposing syndrome. Last evaluated: 2025-07-18. Review status: criteria provided, single submitter. Criteria: Ambry Variant Classification Scheme 2023. Collection method: clinical testing. Allele origin: germline.
Comment: The p.I2179T variant (also known as c.6536T>C), located in coding exon 44 of the ATM gene, results from a T to C substitution at nucleotide position 6536. The isoleucine at codon 2179 is replaced by threonine, an amino acid with similar properties. This amino acid position is well conserved in available vertebrate species. In addition, this alteration is predicted to be deleterious by in silico analysis. Based on the available evidence, the clinical significance of this variant remains unclear.

GeneDx
Classification: Uncertain significance. Last evaluated: 2025-03-04. Review status: criteria provided, single submitter. Criteria: GeneDx Variant Classification Process June 2021. Collection method: clinical testing. Allele origin: germline. Affected: yes.
Comment: Not observed at significant frequency in large population cohorts (gnomAD); In silico analysis supports that this missense variant has a deleterious effect on protein structure/function; Has not been previously published as pathogenic or benign to our knowledge; This variant is associated with the following publications: (PMID: 23532176)

Labcorp Genetics (formerly Invitae), Labcorp
Classification: Uncertain significance for Ataxia-telangiectasia syndrome. Last evaluated: 2025-01-01. Review status: criteria provided, single submitter. Criteria: Invitae Variant Classification Sherloc (09022015). Collection method: clinical testing. Allele origin: germline.
Comment: This sequence change replaces isoleucine, which is neutral and non-polar, with threonine, which is neutral and polar, at codon 2179 of the ATM protein (p.Ile2179Thr). This variant is present in population databases (no rsID available, gnomAD 0.0009%). This variant has not been reported in the literature in individuals affected with ATM-related conditions. ClinVar contains an entry for this variant (Variation ID: 236754). Invitae Evidence Modeling of protein sequence and biophysical properties (such as structural, functional, and spatial information, amino acid conservation, physicochemical variation, residue mobility, and thermodynamic stability) has been performed for this missense variant. However, the output from this modeling did not meet the statistical confidence thresholds required to predict the impact of this variant on ATM protein function. In summary, the available evidence is currently insufficient to determine the role of this variant in disease. Therefore, it has been classified as a Variant of Uncertain Significance.

Color Diagnostics, LLC DBA Color Health
Classification: Uncertain significance for Hereditary cancer-predisposing syndrome. Last evaluated: 2024-12-11. Review status: criteria provided, single submitter. Criteria: ACMG Guidelines, 2015. Collection method: clinical testing. Allele origin: germline.
Comment: This missense variant replaces isoleucine with threonine at codon 2179 of the ATM protein. Computational prediction suggests that this variant may have deleterious impact on protein structure and function. To our knowledge, functional studies have not been reported for this variant. In a large international case-control study, this variant was reported in 1/60465 breast cancer cases and 2/53459 controls (PMID: 33471991). This variant has been identified in 1/251454 chromosomes in the general population by the Genome Aggregation Database (gnomAD). The available evidence is insufficient to determine the role of this variant in disease conclusively. Therefore, this variant is classified as a Variant of Uncertain Significance.

Women's Health and Genetics/Laboratory Corporation of America, LabCorp
Classification: Uncertain significance. Last evaluated: 2024-05-06. Review status: criteria provided, single submitter. Criteria: LabCorp Variant Classification Summary - May 2015. Collection method: clinical testing. Allele origin: germline.
Comment: Variant summary: ATM c.6536T>C (p.Ile2179Thr) results in a non-conservative amino acid change located in the PIK-related kinase domain (IPR003151) of the encoded protein sequence. Four of five in-silico tools predict a damaging effect of the variant on protein function. The variant allele was found at a frequency of 4e-06 in 251454 control chromosomes (gnomAD). The available data on variant occurrences in the general population are insufficient to allow any conclusion about variant significance. In a large study evaluating breast cancer cases and controls in the Breast Cancer Association Consortium (BCAC), the variant was reported in 1/60466 cases, but was also found in 2/53461 controls (Dorling_2021, reported through LOVD). This report does not provide unequivocal conclusions about association of the variant with Ataxia-Telangiectasia. To our knowledge, no experimental evidence demonstrating an impact on protein function has been reported. The following publication have been ascertained in the context of this evaluation (PMID: 33471991). ClinVar contains an entry for this variant (Variation ID: 236754). Based on the evidence outlined above, the variant was classified as uncertain significance.

CeGaT Center for Human Genetics Tuebingen
Classification: Uncertain significance. Last evaluated: 2024-05-01. Review status: criteria provided, single submitter. Criteria: CeGaT Center For Human Genetics Tuebingen Variant Classification Criteria Version 2. Collection method: clinical testing. Allele origin: germline. Affected: yes. Observed: 2 variant alleles.
Comment: ATM: PM2, BP1, BP4

Baylor Genetics
Classification: Uncertain significance for Familial cancer of breast. Last evaluated: 2024-02-06. Review status: criteria provided, single submitter. Criteria: ACMG Guidelines, 2015. Collection method: clinical testing. Allele origin: unknown.

Athena Diagnostics
Classification: Uncertain significance. Last evaluated: 2023-08-29. Review status: criteria provided, single submitter. Criteria: Athena Diagnostics Criteria. Collection method: clinical testing. Allele origin: unknown.
Comment: Available data are insufficient to determine the clinical significance of the variant at this time. The frequency of this variant in the general population is uninformative in assessment of its pathogenicity. Computational tools predict that this variant is damaging.

Genetic Services Laboratory, University of Chicago
Classification: Uncertain significance. Last evaluated: 2019-07-01. Review status: criteria provided, single submitter. Criteria: ACMG Guidelines, 2015. Collection method: clinical testing. Allele origin: germline. Affected: no.

Natera, Inc.
Classification: Uncertain significance for Ataxia-telangiectasia. Last evaluated: 2020-09-16. Review status: no assertion criteria provided. Collection method: clinical testing. Allele origin: germline. Not counted in ClinVar's aggregate classification.

Literature cited by the submitters: PubMed 33471991 (cited by Color Diagnostics, LLC DBA Color Health and Women's Health and Genetics/Laboratory Corporation of America, LabCorp).